The following is an entry in ClinVar:

ClinVar aggregate classification (germline): Benign/Likely benign. Review status: criteria provided, multiple submitters, no conflicts (2 of 4 stars). 4 submissions from 3 submitters: Benign (1); Likely benign (3). Last evaluated 2023-02-01.

Conditions:
Fibromatosis, gingival, 1 (GINGF1). Identifiers: Orphanet 2024, MedGen C4551558, MONDO:0007609, OMIM 135300.
Noonan syndrome 4 (NS4). Also called: NOONAN SYNDROME WITH PIGMENTED VILLONODULAR SYNOVITIS; SOS1-Related Noonan Syndrome. Identifiers: Orphanet 648, MedGen C1853120, MONDO:0012547, OMIM 610733.

Allele frequency attached by ClinVar (database versions not stated): gnomAD 0.00305 and 0.00321; TOPMed 0.00377; 1000 Genomes Project 0.00419; 1000 Genomes Project 30x 0.00422.

Submissions (4):

CeGaT Center for Human Genetics Tuebingen
Classification: Likely benign. Last evaluated: 2023-02-01. Review status: criteria provided, single submitter. Criteria: CeGaT Center For Human Genetics Tuebingen Variant Classification Criteria Version 2. Collection method: clinical testing. Allele origin: germline. Affected: yes. Observed: 2 variant alleles.
Comment: SOS1: BS1

Illumina Laboratory Services, Illumina
Classification: Benign for Fibromatosis, gingival, 1. Last evaluated: 2018-01-12. Review status: criteria provided, single submitter. Criteria: ICSL Variant Classification Criteria 13 December 2019. Collection method: clinical testing. Allele origin: germline.
Comment: This variant was observed in the ICSL laboratory as part of a predisposition screen in an ostensibly healthy population. It had not been previously curated by ICSL or reported in the Human Gene Mutation Database (HGMD: prior to June 1st, 2018), and was therefore a candidate for classification through an automated scoring system. Utilizing variant allele frequency, disease prevalence and penetrance estimates, and inheritance mode, an automated score was calculated to assess if this variant is too frequent to cause the disease. Based on the score and internal cut-off values, a variant classified as benign is not then subjected to further curation. The score for this variant resulted in a classification of benign for this disease.

Illumina Laboratory Services, Illumina
Classification: Likely benign for Noonan syndrome 4. Last evaluated: 2018-01-12. Review status: criteria provided, single submitter. Criteria: ICSL Variant Classification Criteria 13 December 2019. Collection method: clinical testing. Allele origin: germline.
Comment: This variant was observed in the ICSL laboratory as part of a predisposition screen in an ostensibly healthy population. It had not been previously curated by ICSL or reported in the Human Gene Mutation Database (HGMD: prior to June 1st, 2018), and was therefore a candidate for classification through an automated scoring system. Utilizing variant allele frequency, disease prevalence and penetrance estimates, and inheritance mode, an automated score was calculated to assess if this variant is too frequent to cause the disease. Based on the score and internal cut-off values, a variant classified as likely benign is not then subjected to further curation. The score for this variant resulted in a classification of likely benign for this disease.

Breakthrough Genomics
Classification: Likely benign. Review status: criteria provided, single submitter. Criteria: ACMG Guidelines, 2015. Collection method: not provided. Allele origin: germline. Inheritance: Autosomal dominant inheritance. Affected: yes.

NM_005633.4(SOS1):c.*2517C>T

Gene: SOS1 (SOS Ras/Rac guanine nucleotide exchange factor 1; minus strand). Cytogenetic location: 2p22.1.
Variant type: single nucleotide variant.
Coding change: c.*2517C>T on transcript NM_005633.4 (MANE Select); 2517 bases downstream of the stop codon, C replaced by T.
Molecular consequence: 3 prime UTR variant.
Genome position (GRCh38, 1-based): chr2:38,983,307, G>A on the plus strand (C>T on the coding strand, the complement: SOS1 is on the minus strand). VCF-style: chr2-38983307-G-A. GRCh37 (hg19) VCF-style: chr2-39210448-G-A.
Other names: c.*2517C>T (NM_001382394.1, NM_001382395.1).
Identifiers: ClinVar variation 898636 (VCV000898636.29), dbSNP rs150628082, ClinGen allele CA45671375.